The following is an entry in ClinVar:

NM_002715.4(PPP2CA):c.576+5G>A

Gene: PPP2CA (protein phosphatase 2 catalytic subunit alpha; minus strand). Cytogenetic location: 5q31.1.
Variant type: single nucleotide variant.
Coding change: c.576+5G>A on transcript NM_002715.4 (MANE Select); 5 bases into the intron after coding-DNA position 576, G replaced by A.
Molecular consequence: intron variant.
Genome position (GRCh38, 1-based): chr5:134,200,980, C>T on the plus strand (G>A on the coding strand, the complement: PPP2CA is on the minus strand). VCF-style: chr5-134200980-C-T. GRCh37 (hg19) VCF-style: chr5-133536671-C-T.
Other names: c.381+5G>A (NM_001355019.2).
Identifiers: ClinVar variation 3652097 (VCV003652097.2).
Genomic context (GRCh38, chr5:134,200,980, plus strand): 5'-TACAATTAAACTTCTCCACTCCCTAATAAGTTTTCTGAAAGAATTTTATCAAATAAAAGT[C>T]ATACCTCATGGGGAACTTCTTGTAGGCGATCAAGTGCTCTGATATGATCCAGTGTATCTA-3'

ClinVar aggregate classification (germline): Uncertain significance (1 of 4 stars; one submission).

Submission:

Labcorp Genetics (formerly Invitae), Labcorp
Classification: Uncertain significance. Last evaluated: 2026-01-12. Review status: criteria provided, single submitter. Criteria: Invitae Variant Classification Sherloc (09022015). Collection method: clinical testing. Allele origin: germline.
Comment: This sequence change falls in intron 4 of the PPP2CA gene. It does not directly change the encoded amino acid sequence of the PPP2CA protein. It affects a nucleotide within the consensus splice site. This variant is not present in population databases (gnomAD no frequency). This variant has not been reported in the literature in individuals affected with PPP2CA-related conditions. ClinVar contains an entry for this variant (Variation ID: 3652097). Variants that disrupt the consensus splice site are a relatively common cause of aberrant splicing (PMID: 17576681, 9536098). Algorithms developed to predict the effect of sequence changes on RNA splicing suggest that this variant is not likely to affect RNA splicing. In summary, the available evidence is currently insufficient to determine the role of this variant in disease. Therefore, it has been classified as a Variant of Uncertain Significance.

Literature cited by the submitters: PubMed 17576681; PubMed 9536098.